The following is an entry in ClinVar:

ClinVar aggregate classification (germline): Pathogenic (1 of 4 stars; one submission).

Conditions:
Neurofibromatosis, type 1 (NF1). Also called: NEUROFIBROMATOSIS, TYPE I, SOMATIC; VON RECKLINGHAUSEN DISEASE; Peripheral type neurofibromatosis; Neurofibromatosis, type I. Identifiers: Orphanet 636, MedGen C0027831, MONDO:0018975, OMIM 162200. Disease mechanism: loss of function.

Submission:

Labcorp Genetics (formerly Invitae), Labcorp
Classification: Pathogenic for Neurofibromatosis, type 1. Last evaluated: 2024-06-25. Review status: criteria provided, single submitter. Criteria: Invitae Variant Classification Sherloc (09022015). Collection method: clinical testing. Allele origin: germline.
Comment: This sequence change creates a premature translational stop signal (p.Ile634Asnfs*4) in the NF1 gene. It is expected to result in an absent or disrupted protein product. Loss-of-function variants in NF1 are known to be pathogenic (PMID: 10712197, 23913538). This variant is not present in population databases (gnomAD no frequency). This variant has not been reported in the literature in individuals affected with NF1-related conditions. ClinVar contains an entry for this variant (Variation ID: 2071267). Algorithms developed to predict the effect of sequence changes on RNA splicing suggest that this variant may disrupt the consensus splice site. For these reasons, this variant has been classified as Pathogenic.

Literature cited by the submitters: PubMed 10712197; PubMed 23913538.

NM_001042492.3(NF1):c.1900dup (p.Ile634fs)

Gene: NF1 (neurofibromin 1; plus strand). Cytogenetic location: 17q11.2.
Variant type: Duplication.
Coding change: c.1900dup on transcript NM_001042492.3 (MANE Select); coding-DNA position 1900, one base duplicated (A; older notation c.1900dupA).
Protein change: p.Ile634fs; shifts the reading frame from isoleucine 634.
Molecular consequence: frameshift variant.
Genome position (GRCh38, 1-based): chr17:31,225,149, A duplicated. VCF-style (leftmost placement, unchanged base first): chr17-31225148-T-TA. GRCh37 (hg19) VCF-style: chr17-29552166-T-TA.
Other names: c.1900dup, p.Ile634Asnfs (NM_000267.4); short protein forms I634fs.
Identifiers: ClinVar variation 2071267 (VCV002071267.4), dbSNP rs2508141132, ClinGen allele CA2580092896.